The following is an entry in ClinVar:

NM_021267.5(CERS1):c.591-3C>T

Genes: CERS1 (ceramide synthase 1; minus strand), GDF1 (growth differentiation factor 1; minus strand). Cytogenetic location: 19p13.11.
Variant type: single nucleotide variant.
Coding change: c.591-3C>T on transcript NM_021267.5 (MANE Select); 3 bases into the intron before coding-DNA position 591, C replaced by T.
Molecular consequence: intron variant.
Genome position (GRCh38, 1-based): chr19:18,880,438, G>A on the plus strand (C>T on the coding strand, the complement: CERS1 is on the minus strand). VCF-style: chr19-18880438-G-A. GRCh37 (hg19) VCF-style: chr19-18991247-G-A.
Other names: c.591-3C>T (NM_001387440.1, NM_001387439.1, NM_198207.3); c.297-3C>T (NM_001387443.1, NM_001387442.1, NM_001290265.2 and 2 more transcripts); c.591-48C>T (NM_001387441.1); c.-313+3649C>T (NM_001387438.1); c.-732-3C>T (NM_001492.6).
Identifiers: ClinVar variation 855183 (VCV000855183.7), dbSNP rs755223903, ClinGen allele CA9318198.

ClinVar aggregate classification (germline): Uncertain significance (1 of 4 stars; one submission).

Conditions:
Progressive myoclonic epilepsy type 8. Identifiers: Orphanet 424027, MedGen C5190825, MONDO:0014545, OMIM 616230.

Allele frequency attached by ClinVar (database versions not stated): gnomAD 0.00003; TOPMed 0.00003; ExAC 0.00005.

Submission:

Labcorp Genetics (formerly Invitae), Labcorp
Classification: Uncertain significance for Progressive myoclonic epilepsy type 8. Last evaluated: 2021-08-24. Review status: criteria provided, single submitter. Criteria: Invitae Variant Classification Sherloc (09022015). Collection method: clinical testing. Allele origin: germline.
Comment: This sequence change falls in intron 3 of the CERS1 gene. It does not directly change the encoded amino acid sequence of the CERS1 protein. It affects a nucleotide within the consensus splice site of the intron. This variant is present in population databases (rs755223903, ExAC 0.01%). This variant has not been reported in the literature in individuals affected with CERS1-related conditions. Variants that disrupt the consensus splice site are a relatively common cause of aberrant splicing (PMID: 17576681, 9536098). Algorithms developed to predict the effect of sequence changes on RNA splicing suggest that this variant is not likely to affect RNA splicing. In summary, the available evidence is currently insufficient to determine the role of this variant in disease. Therefore, it has been classified as a Variant of Uncertain Significance.

Literature cited by the submitters: PubMed 17576681; PubMed 9536098.